The following is an entry in ClinVar:

ClinVar aggregate classification (germline): Benign (1 of 4 stars; one submission).

Conditions:
Lymphoproliferative syndrome 1 (LPFS1). Identifiers: Orphanet 238505, Orphanet 538963, MedGen C3552634, MONDO:0013081, OMIM 613011.

Allele frequency attached by ClinVar (database versions not stated): 1000 Genomes Project 0.83347; 1000 Genomes Project 30x 0.84182; gnomAD exomes 0.85679; gnomAD 0.90646 and 0.91454; TOPMed 0.91320.
gnomAD v4.1: 199,845 of 224,142 alleles (89%); highest among the groups gnomAD compares: African/African-American, 98%; 90,135 homozygotes.

Submission:

Illumina Laboratory Services, Illumina
Classification: Benign for Lymphoproliferative syndrome 1. Last evaluated: 2018-01-12. Review status: criteria provided, single submitter. Criteria: ICSL Variant Classification Criteria 13 December 2019. Collection method: clinical testing. Allele origin: germline.
Comment: This variant was observed in the ICSL laboratory as part of a predisposition screen in an ostensibly healthy population. It had not been previously curated by ICSL or reported in the Human Gene Mutation Database (HGMD: prior to June 1st, 2018), and was therefore a candidate for classification through an automated scoring system. Utilizing variant allele frequency, disease prevalence and penetrance estimates, and inheritance mode, an automated score was calculated to assess if this variant is too frequent to cause the disease. Based on the score and internal cut-off values, a variant classified as benign is not then subjected to further curation. The score for this variant resulted in a classification of benign for this disease.

NM_005546.4(ITK):c.*997A>G

Gene: ITK (IL2 inducible T cell kinase; plus strand). Cytogenetic location: 5q33.3.
Variant type: single nucleotide variant.
Coding change: c.*997A>G on transcript NM_005546.4 (MANE Select); 997 bases downstream of the stop codon, A replaced by G.
Molecular consequence: 3 prime UTR variant.
Genome position (GRCh38, 1-based): chr5:157,253,675, A>G. VCF-style: chr5-157253675-A-G. GRCh37 (hg19) VCF-style: chr5-156680685-A-G.
Identifiers: ClinVar variation 352488 (VCV000352488.5), dbSNP rs27988, ClinGen allele CA10619852.
Genomic context (GRCh38, chr5:157,253,675, plus strand): 5'-CAGCCCCCCCTCTCTGCACTATCCGATCCTCATCAACAGAGGGCAGCATTGTGTTGGTCA[A>G]TGTTCCCTTGGCGAGCAATTGAAACTTGTTTAGGCCCTAGGGTTGAGCAATTTTAAGGTT-3'